The following is an entry in ClinVar:

NM_002354.3(EPCAM):c.442C>G (p.Leu148Val)

Gene: EPCAM (epithelial cell adhesion molecule; plus strand). Cytogenetic location: 2p21.
Variant type: single nucleotide variant.
Coding change: c.442C>G on transcript NM_002354.3 (MANE Select); coding-DNA position 442, C replaced by G.
Protein change: p.Leu148Val; replaces leucine 148 with valine.
Molecular consequence: missense variant.
Genome position (GRCh38, 1-based): chr2:47,375,250, C>G. VCF-style: chr2-47375250-C-G. GRCh37 (hg19) VCF-style: chr2-47602389-C-G.
Other names: short protein forms L148V.
Identifiers: ClinVar variation 1740531 (VCV001740531.3), dbSNP rs757174928, ClinGen allele CA346723563.

ClinVar aggregate classification (germline): Uncertain significance (1 of 4 stars; one submission).

Conditions:
Hereditary cancer-predisposing syndrome. Also called: Hereditary Cancer Syndrome; Hereditary neoplastic syndrome; Neoplastic Syndromes, Hereditary; Tumor predisposition. Identifiers: Orphanet 140162, MedGen C0027672, MeSH D009386, MONDO:0015356.

Submission:

Ambry Genetics
Classification: Uncertain significance for Hereditary cancer-predisposing syndrome. Last evaluated: 2024-08-26. Review status: criteria provided, single submitter. Criteria: Ambry Variant Classification Scheme 2023. Collection method: clinical testing. Allele origin: germline.
Comment: The p.L148V variant (also known as c.442C>G), located in coding exon 4 of the EPCAM gene, results from a C to G substitution at nucleotide position 442. The leucine at codon 148 is replaced by valine, an amino acid with highly similar properties. This amino acid position is conserved. In addition, this alteration is predicted to be tolerated by in silico analysis. Since supporting evidence is limited at this time, the clinical significance of this alteration remains unclear.